The following is an entry in ClinVar:

ClinVar aggregate classification (germline): Uncertain significance. Review status: criteria provided, multiple submitters, no conflicts (2 of 4 stars). 7 submissions from 7 submitters: Uncertain significance (6). 1 of the submissions does not count toward it. Last evaluated 2025-12-02.

Conditions:
Cerebral arteriopathy with subcortical infarcts and leukoencephalopathy. Also called: Cerebral autosomal dominant arteriopathy with subcortical infarcts and leukoencephalopathy. Identifiers: MedGen C0751587, MONDO:0007432.

Allele frequency attached by ClinVar (database versions not stated): gnomAD 0.00001; gnomAD exomes 0.00001; ExAC 0.00002; ESP Exome Variant Server 0.00023.

Submissions (7):

Women's Health and Genetics/Laboratory Corporation of America, LabCorp
Classification: Uncertain significance. Last evaluated: 2025-12-02. Review status: criteria provided, single submitter. Criteria: LabCorp Variant Classification Summary - May 2015. Collection method: clinical testing. Allele origin: germline.
Comment: Variant summary: NOTCH3 c.154G>A (p.Gly52Arg) results in a non-conservative amino acid change in the encoded protein sequence. Algorithms developed to predict the effect of missense changes on protein structure and function all suggest that this variant is likely to be disruptive. The variant allele was found at a frequency of 1.2e-05 in 245858 control chromosomes. The available data on variant occurrences in the general population are insufficient to allow any conclusion about variant significance. c.154G>A has been observed in at least one individual affected with Cerebral Arteriopathy, Autosomal Recessive, With Subcortical Infarcts And Leukoencephalopathy 1 (Dunn_2025). These report(s) do not provide unequivocal conclusions about association of the variant with Cerebral Arteriopathy, Autosomal Recessive, With Subcortical Infarcts And Leukoencephalopathy 1. To our knowledge, no experimental evidence demonstrating an impact on protein function has been reported. The following publications have been ascertained in the context of this evaluation (PMID: 31836585, 39743006). ClinVar contains an entry for this variant (Variation ID: 447788). Based on the evidence outlined above, the variant was classified as uncertain significance.

Labcorp Genetics (formerly Invitae), Labcorp
Classification: Uncertain significance. Last evaluated: 2025-08-11. Review status: criteria provided, single submitter. Criteria: Invitae Variant Classification Sherloc (09022015). Collection method: clinical testing. Allele origin: germline.
Comment: This sequence change replaces glycine, which is neutral and non-polar, with arginine, which is basic and polar, at codon 52 of the NOTCH3 protein (p.Gly52Arg). This variant is present in population databases (rs148166997, gnomAD 0.003%). This missense change has been observed in individual(s) with clinical features of NOTCH3-related conditions (PMID: 31836585). ClinVar contains an entry for this variant (Variation ID: 447788). Invitae Evidence Modeling of protein sequence and biophysical properties (such as structural, functional, and spatial information, amino acid conservation, physicochemical variation, residue mobility, and thermodynamic stability) indicates that this missense variant is expected to disrupt NOTCH3 protein function with a positive predictive value of 95%. In summary, the available evidence is currently insufficient to determine the role of this variant in disease. Therefore, it has been classified as a Variant of Uncertain Significance.

Mayo Clinic Laboratories, Mayo Clinic
Classification: Uncertain significance. Last evaluated: 2025-02-13. Review status: criteria provided, single submitter. Criteria: ACMG Guidelines, 2015. Collection method: clinical testing. Allele origin: germline. Observed: 2 variant alleles.
Comment: BP1, PP3_moderate

Athena Diagnostics
Classification: Uncertain significance. Last evaluated: 2024-05-24. Review status: criteria provided, single submitter. Criteria: Athena Diagnostics Criteria. Collection method: clinical testing. Allele origin: unknown.
Comment: Available data are insufficient to determine the clinical significance of the variant at this time. The frequency of this variant in the general population is uninformative in assessment of its pathogenicity. In our internal patient population, this variant is statistically more frequent than in the general population, which is weak evidence this variant may be disease causing. This variant has been identified in at least one individual with clinical features associated with CADASIL. This variant has been identified in cis with NOTCH3 c.133G>C in published literature, general population data, and our internal patient data (PMID: 31836585, The Genome Aggregation Database (gnomAD), Athena Diagnostics internal data). Polyphen and MutationTaster predict this amino acid change may be damaging to the protein. Greater than 90% of NOTCH3 pathogenic variants associated with CADASIL involve the gain or loss of a cysteine residue within the epidermal growth factor (EGF)-like repeat domain (PMID: 32457593, 20301673).

Blueprint Genetics
Classification: Uncertain significance. Last evaluated: 2023-09-10. Review status: criteria provided, single submitter. Criteria: ACMG Guidelines, 2015. Collection method: clinical testing. Allele origin: germline.

ARUP Laboratories, Molecular Genetics and Genomics, ARUP Laboratories
Classification: Uncertain significance. Last evaluated: 2019-03-07. Review status: criteria provided, single submitter. Criteria: ARUP Molecular Germline Variant Investigation Process. Collection method: clinical testing. Allele origin: germline.
Comment: The NOTCH3 c.154G>A; p.Gly52Arg variant (rs148166997) is reported in the literature in cis to a p.Asp45His missense variant in individual affected with cerebral small vessel disease with a family history of stroke and migraines (Tan 2018). The p.Gly52Arg variant is reported in ClinVar (Variation ID: 447788), and it is found on only three chromosomes (3/245858 alleles) in the Genome Aggregation Database. The glycine at codon 52 is highly conserved and computational analyses (SIFT, PolyPhen-2) predict that this variant is deleterious. However, due to limited information, the clinical significance of the p.Gly52Arg variant is uncertain at this time. References: Tan, YYR. Genetics of Cerebral Small Vessel Disease (Doctoral thesis). 2018. DOI 10.17863/CAM.30570

Molecular Genetics Laboratory, BC Children's and BC Women's Hospitals
Classification: Uncertain significance for Cerebral arteriopathy with subcortical infarcts and leukoencephalopathy. Last evaluated: 2021-07-02. Review status: no assertion criteria provided. Criteria: ACMG Guidelines, 2015. Collection method: clinical testing. Allele origin: germline. Affected: yes. Not counted in ClinVar's aggregate classification.

Literature cited by the submitters: PubMed 31836585 (cited by 4 submitters); PubMed 39743006 (cited by Women's Health and Genetics/Laboratory Corporation of America, LabCorp); PubMed 31915071 (cited by Mayo Clinic Laboratories, Mayo Clinic).

NM_000435.3(NOTCH3):c.154G>A (p.Gly52Arg)

Gene: NOTCH3 (notch receptor 3; minus strand). Cytogenetic location: 19p13.12.
Variant type: single nucleotide variant.
Coding change: c.154G>A on transcript NM_000435.3 (MANE Select); coding-DNA position 154, G replaced by A.
Protein change: p.Gly52Arg; replaces glycine 52 with arginine.
Molecular consequence: missense variant.
Genome position (GRCh38, 1-based): chr19:15,197,543, C>T on the plus strand (G>A on the coding strand, the complement: NOTCH3 is on the minus strand). VCF-style: chr19-15197543-C-T. GRCh37 (hg19) VCF-style: chr19-15308354-C-T.
Other names: short protein forms G52R.
Identifiers: ClinVar variation 447788 (VCV000447788.26), dbSNP rs148166997, ClinGen allele CA9263984.